The following is an entry in ClinVar:

NM_152564.5(VPS13B):c.8192C>A (p.Ala2731Asp)

Gene: VPS13B (vacuolar protein sorting 13 homolog B; plus strand). Cytogenetic location: 8q22.2.
Variant type: single nucleotide variant.
Coding change: c.8192C>A on transcript NM_152564.5 (MANE Select); coding-DNA position 8192, C replaced by A.
Protein change: p.Ala2731Asp; replaces alanine 2731 with aspartic acid.
Molecular consequence: missense variant.
Genome position (GRCh38, 1-based): chr8:99,817,634, C>A. VCF-style: chr8-99817634-C-A. GRCh37 (hg19) VCF-style: chr8-100829862-C-A.
Other names: c.8267C>A, p.Ala2756Asp (NM_017890.5); short protein forms A2731D, A2756D.
Identifiers: ClinVar variation 4745298 (VCV004745298.1).

ClinVar aggregate classification (germline): Uncertain significance (1 of 4 stars; one submission).

Conditions:
Cohen syndrome (COH1). Also called: PEPPER SYNDROME; Cutis verticis gyrata, retinitis pigmentosa, and sensorineural deafness. Identifiers: Orphanet 193, MedGen C0265223, MONDO:0008999, OMIM 216550.

Submission:

Labcorp Genetics (formerly Invitae), Labcorp
Classification: Uncertain significance for Cohen syndrome. Last evaluated: 2025-02-20. Review status: criteria provided, single submitter. Criteria: Invitae Variant Classification Sherloc (09022015). Collection method: clinical testing. Allele origin: germline.
Comment: This sequence change replaces alanine, which is neutral and non-polar, with aspartic acid, which is acidic and polar, at codon 2756 of the VPS13B protein (p.Ala2756Asp). This variant is not present in population databases (gnomAD no frequency). This variant has not been reported in the literature in individuals affected with VPS13B-related conditions. Invitae Evidence Modeling of protein sequence and biophysical properties (such as structural, functional, and spatial information, amino acid conservation, physicochemical variation, residue mobility, and thermodynamic stability) has been performed for this missense variant. However, the output from this modeling did not meet the statistical confidence thresholds required to predict the impact of this variant on VPS13B protein function. In summary, the available evidence is currently insufficient to determine the role of this variant in disease. Therefore, it has been classified as a Variant of Uncertain Significance.